The following is an entry in ClinVar:

ClinVar aggregate classification (germline): Uncertain significance (1 of 4 stars; one submission).

Conditions:
Progressive familial heart block type IB (PFHB1B). Identifiers: Orphanet 871, MedGen C1970298, MONDO:0011474, OMIM 604559.

gnomAD v4.1: 5 of 1,577,412 alleles (0.00032%); highest among the groups gnomAD compares: East Asian, 0.0022%; no homozygotes.

Submission:

Labcorp Genetics (formerly Invitae), Labcorp
Classification: Uncertain significance for Progressive familial heart block type IB. Last evaluated: 2023-08-07. Review status: criteria provided, single submitter. Criteria: Invitae Variant Classification Sherloc (09022015). Collection method: clinical testing. Allele origin: germline.
Comment: In summary, the available evidence is currently insufficient to determine the role of this variant in disease. Therefore, it has been classified as a Variant of Uncertain Significance. An algorithm developed to predict the effect of missense changes on protein structure and function (PolyPhen-2) suggests that this variant is likely to be tolerated. This variant has not been reported in the literature in individuals affected with TRPM4-related conditions. This variant is not present in population databases (gnomAD no frequency). This sequence change replaces glutamic acid, which is acidic and polar, with alanine, which is neutral and non-polar, at codon 497 of the TRPM4 protein (p.Glu497Ala).

NM_017636.4(TRPM4):c.1490A>C (p.Glu497Ala)

Gene: TRPM4 (transient receptor potential cation channel subfamily M member 4; plus strand). Cytogenetic location: 19q13.33.
Variant type: single nucleotide variant.
Coding change: c.1490A>C on transcript NM_017636.4 (MANE Select); coding-DNA position 1490, A replaced by C.
Protein change: p.Glu497Ala; replaces glutamic acid 497 with alanine.
Molecular consequence: missense variant. On other transcripts: 5 prime UTR variant (1).
Genome position (GRCh38, 1-based): chr19:49,182,804, A>C. VCF-style: chr19-49182804-A-C. GRCh37 (hg19) VCF-style: chr19-49686061-A-C.
Other names: c.1490A>C, p.Glu497Ala (NM_001195227.2); c.1145A>C, p.Glu382Ala (NM_001321281.2); c.-64A>C (NM_001321282.2); c.968A>C, p.Glu323Ala (NM_001321283.2); c.428A>C, p.Glu143Ala (NM_001321285.2); short protein forms E497A, E143A, E323A, E382A.
Identifiers: ClinVar variation 2732963 (VCV002732963.3), dbSNP rs753611182, ClinGen allele CA406799489.